The following is an entry in ClinVar:

NM_000455.5(STK11):c.525_532dup (p.Lys178fs)

Gene: STK11 (serine/threonine kinase 11; plus strand). Cytogenetic location: 19p13.3.
Variant type: Duplication.
Coding change: c.525_532dup on transcript NM_000455.5 (MANE Select); coding-DNA positions 525 to 532, 8 bases duplicated (GGACATCA; older notation c.525_532dupGGACATCA).
Protein change: p.Lys178fs; shifts the reading frame from lysine 178.
Molecular consequence: frameshift variant.
Genome position (GRCh38, 1-based): chr19:1,220,433-1,220,440, GGACATCA duplicated; duplicating any 8 consecutive bases within chr19:1,220,432-1,220,440 gives the same sequence; the c. name uses the placement nearest the transcript's 3' end. VCF-style (leftmost placement, unchanged base first): chr19-1220431-A-AAGGACATC. GRCh37 (hg19) VCF-style: chr19-1220430-A-AAGGACATC.
Other names: c.525_532dupGGACATCA (NM_000455.4); short protein forms K178fs.
Identifiers: ClinVar variation 458050 (VCV000458050.6), dbSNP rs1555738219, ClinGen allele CA658656745.

ClinVar aggregate classification (germline): Pathogenic (1 of 4 stars; one submission).

Conditions:
Peutz-Jeghers syndrome (PJS). Also called: POLYPOSIS, HAMARTOMATOUS INTESTINAL; POLYPS-AND-SPOTS SYNDROME; Peutz-Jeghers polyposis; Periorificial lentiginosis syndrome. Identifiers: Orphanet 2869, MedGen C0031269, MeSH D010580, MONDO:0008280, OMIM 175200.

Submission:

Labcorp Genetics (formerly Invitae), Labcorp
Classification: Pathogenic for Peutz-Jeghers syndrome. Last evaluated: 2017-03-15. Review status: criteria provided, single submitter. Criteria: Invitae Variant Classification Sherloc (09022015). Collection method: clinical testing. Allele origin: germline.
Comment: This sequence change inserts 8 nucleotides in exon 4 of the STK11 mRNA (c.525_532dupGGACATCA), causing a frameshift at codon 178. This creates a premature translational stop signal (p.Lys178Argfs*112) and is expected to result in an absent or disrupted protein product. For these reasons, this variant has been classified as Pathogenic. While this particular variant has not been reported in the literature, loss-of-function variants in STK11 are known to be pathogenic (PMID: 15188174, 16287113).

Literature cited by the submitters: PubMed 15188174; PubMed 16287113.